The following is an entry in ClinVar:

ClinVar aggregate classification (germline): Pathogenic (1 of 4 stars; one submission).

Conditions:
Walker-Warburg congenital muscular dystrophy. Also called: Muscular dystrophy-dystroglycanopathy, type A; Walker-Warburg syndrome. Identifiers: Orphanet 899, MedGen C0265221, MONDO:0000171.

Allele frequency attached by ClinVar (database versions not stated): gnomAD exomes below 0.00001.

Submission:

Labcorp Genetics (formerly Invitae), Labcorp
Classification: Pathogenic for Walker-Warburg congenital muscular dystrophy. Last evaluated: 2022-01-19. Review status: criteria provided, single submitter. Criteria: Invitae Variant Classification Sherloc (09022015). Collection method: clinical testing. Allele origin: germline.
Comment: For these reasons, this variant has been classified as Pathogenic. This variant disrupts a region of the FKRP protein in which other variant(s) (p.Ile478Thr) have been determined to be pathogenic (PMID: 16476814, 18639457, 19299310). This suggests that this is a clinically significant region of the protein, and that variants that disrupt it are likely to be disease-causing. This variant has not been reported in the literature in individuals affected with FKRP-related conditions. This variant is not present in population databases (gnomAD no frequency). This sequence change creates a premature translational stop signal (p.Ala267Glyfs*123) in the FKRP gene. While this is not anticipated to result in nonsense mediated decay, it is expected to disrupt the last 229 amino acid(s) of the FKRP protein.

Literature cited by the submitters: PubMed 16476814; PubMed 18639457; PubMed 19299310.

NM_024301.5(FKRP):c.797dup (p.Ala267fs)

Gene: FKRP (fukutin related protein; plus strand). Cytogenetic location: 19q13.32.
Variant type: Duplication.
Coding change: c.797dup on transcript NM_024301.5 (MANE Select); coding-DNA position 797, one base duplicated (C; older notation c.797dupC).
Protein change: p.Ala267fs; shifts the reading frame from alanine 267.
Molecular consequence: frameshift variant.
Genome position (GRCh38, 1-based): chr19:46,756,247, C duplicated. VCF-style (leftmost placement, unchanged base first): chr19-46756246-G-GC. GRCh37 (hg19) VCF-style: chr19-47259503-G-GC.
Other names: c.797dup, p.Ala267fs (NM_001039885.3); short protein forms A267fs.
Identifiers: ClinVar variation 2198587 (VCV002198587.4), dbSNP rs2513992369, ClinGen allele CA2580097439.